The following is an entry in ClinVar:

ClinVar aggregate classification (germline): Likely benign. Review status: criteria provided, multiple submitters, no conflicts (2 of 4 stars). 2 submissions from 2 submitters: Likely benign (2). Last evaluated 2026-04-15.

Conditions:
RP1L1-related disorder. Also called: RP1L1-related condition.

Submissions (2):

PreventionGenetics, part of Exact Sciences
Classification: Likely benign for RP1L1-related condition. Last evaluated: 2026-04-15. Review status: criteria provided, single submitter. Criteria: ACMG Guidelines, 2015. Collection method: clinical testing. Allele origin: germline.
Comment: This variant is classified as likely benign based on ACMG/AMP sequence variant interpretation guidelines (Richards et al. 2015 PMID: 25741868, with internal and published modifications).

Blueprint Genetics
Classification: Likely benign. Last evaluated: 2024-06-20. Review status: criteria provided, single submitter. Criteria: ACMG Guidelines, 2015. Collection method: clinical testing. Allele origin: germline.

NM_178857.6(RP1L1):c.2127G>C (p.Ser709=)

Gene: RP1L1 (RP1 like 1). Cytogenetic location: 8p23.1.
Variant type: single nucleotide variant.
Coding change: c.2127G>C on transcript NM_178857.6 (MANE Select); coding-DNA position 2127, G replaced by C.
Protein change: p.Ser709=; no amino-acid change (serine 709 retained).
Molecular consequence: synonymous variant.
Genome position (GRCh38, 1-based): chr8:10,611,971, C>G on the plus strand (G>C on the coding strand, the complement: RP1L1 is on the minus strand). VCF-style: chr8-10611971-C-G. GRCh37 (hg19) VCF-style: chr8-10469481-C-G.
Other names: c.2127G>C (NM_178857.5).
Identifiers: ClinVar variation 4899317 (VCV004899317.2).